The following is an entry in ClinVar:

ClinVar aggregate classification (germline): Likely benign. Review status: criteria provided, single submitter (1 of 4 stars). 2 submissions from 2 submitters: Likely benign (1). 1 of the submissions does not count toward it. Last evaluated 2022-09-26.

Conditions:
BBS2-related disorder. Also called: BBS2-related condition; BBS2-related disorders. Identifiers: MedGen CN239228.
Bardet-Biedl syndrome (BBS). Identifiers: Orphanet 110, MedGen C0752166, MONDO:0015229.

Allele frequency attached by ClinVar (database versions not stated): TOPMed below 0.00001; ExAC 0.00001; gnomAD exomes 0.00001; ESP Exome Variant Server 0.00008.
gnomAD v4.1: 9 of 1,614,190 alleles (0.00056%); highest among the groups gnomAD compares: Non-Finnish European, 0.00068%; no homozygotes.

Submissions (2):

Labcorp Genetics (formerly Invitae), Labcorp
Classification: Likely benign for Bardet-Biedl syndrome. Last evaluated: 2022-09-26. Review status: criteria provided, single submitter. Criteria: Invitae Variant Classification Sherloc (09022015). Collection method: clinical testing. Allele origin: germline.

PreventionGenetics, part of Exact Sciences
Classification: Likely benign for BBS2-related condition. Last evaluated: 2023-10-11. Review status: no assertion criteria provided. Collection method: clinical testing. Allele origin: germline. Not counted in ClinVar's aggregate classification.
Comment: This variant is classified as likely benign based on ACMG/AMP sequence variant interpretation guidelines (Richards et al. 2015 PMID: 25741868, with internal and published modifications).

NM_031885.5(BBS2):c.960C>G (p.Gly320=)

Gene: BBS2 (Bardet-Biedl syndrome 2; minus strand). Cytogenetic location: 16q13.
Variant type: single nucleotide variant.
Coding change: c.960C>G on transcript NM_031885.5 (MANE Select); coding-DNA position 960, C replaced by G.
Protein change: p.Gly320=; no amino-acid change (glycine 320 retained).
Molecular consequence: synonymous variant. On other transcripts: non-coding transcript variant (5).
Genome position (GRCh38, 1-based): chr16:56,502,437, G>C on the plus strand (C>G on the coding strand, the complement: BBS2 is on the minus strand). VCF-style: chr16-56502437-G-C. GRCh37 (hg19) VCF-style: chr16-56536349-G-C.
Other names: c.960C>G (NM_031885.3); c.960C>G, p.Gly320= (NM_001377456.1).
Identifiers: ClinVar variation 1624360 (VCV001624360.9), dbSNP rs369415186, ClinGen allele CA8065857.